The following is an entry in ClinVar:

NM_053025.4(MYLK):c.2926C>T (p.Pro976Ser)

Gene: MYLK (myosin light chain kinase; minus strand). Cytogenetic location: 3q21.1.
Variant type: single nucleotide variant.
Coding change: c.2926C>T on transcript NM_053025.4 (MANE Select); coding-DNA position 2926, C replaced by T.
Protein change: p.Pro976Ser; replaces proline 976 with serine.
Molecular consequence: missense variant.
Genome position (GRCh38, 1-based): chr3:123,700,542, G>A on the plus strand (C>T on the coding strand, the complement: MYLK is on the minus strand). VCF-style: chr3-123700542-G-A. GRCh37 (hg19) VCF-style: chr3-123419389-G-A.
Other names: c.2398C>T, p.Pro800Ser (NM_001321309.2); c.2719C>T, p.Pro907Ser (NM_053026.4, NM_053028.4); c.2926C>T, p.Pro976Ser (NM_053027.4); c.2926C>T (NM_053025.3); short protein forms P800S, P976S, P907S.
Identifiers: ClinVar variation 2726724 (VCV002726724.4), dbSNP rs139107387, ClinGen allele CA069153.

ClinVar aggregate classification (germline): Uncertain significance. Review status: criteria provided, multiple submitters, no conflicts (2 of 4 stars). 2 submissions from 2 submitters: Uncertain significance (2). Last evaluated 2024-05-23.

Conditions:
Familial thoracic aortic aneurysm and aortic dissection (TAAD). Also called: Thoracic aortic aneurysms and dissections. Identifiers: Orphanet 91387, MedGen C4707243, MONDO:0019625.
Aortic aneurysm, familial thoracic 7 (AAT7). Also called: AORTIC DISSECTION, FAMILIAL, WITH OR WITHOUT AORTIC ANEURYSM. Identifiers: MedGen C3151077, MONDO:0013418, OMIM 613780.

Allele frequency attached by ClinVar (database versions not stated): ExAC 0.00001; gnomAD 0.00001; TOPMed 0.00001; ESP Exome Variant Server 0.00008.
gnomAD v4.1: 5 of 1,613,604 alleles (0.00031%); highest among the groups gnomAD compares: African/African-American, 0.0027%; no homozygotes.

Submissions (2):

Ambry Genetics
Classification: Uncertain significance for Familial thoracic aortic aneurysm and aortic dissection. Last evaluated: 2024-05-23. Review status: criteria provided, single submitter. Criteria: Ambry Variant Classification Scheme 2023. Collection method: clinical testing. Allele origin: germline.
Comment: The p.P976S variant (also known as c.2926C>T), located in coding exon 15 of the MYLK gene, results from a C to T substitution at nucleotide position 2926. The proline at codon 976 is replaced by serine, an amino acid with similar properties. This amino acid position is conserved. In addition, this alteration is predicted to be tolerated by in silico analysis. Based on the available evidence, the clinical significance of this variant remains unclear.

Labcorp Genetics (formerly Invitae), Labcorp
Classification: Uncertain significance for Aortic aneurysm, familial thoracic 7. Last evaluated: 2023-08-11. Review status: criteria provided, single submitter. Criteria: Invitae Variant Classification Sherloc (09022015). Collection method: clinical testing. Allele origin: germline.
Comment: This sequence change replaces proline, which is neutral and non-polar, with serine, which is neutral and polar, at codon 976 of the MYLK protein (p.Pro976Ser). This variant is not present in population databases (gnomAD no frequency). In summary, the available evidence is currently insufficient to determine the role of this variant in disease. Therefore, it has been classified as a Variant of Uncertain Significance. Advanced modeling of protein sequence and biophysical properties (such as structural, functional, and spatial information, amino acid conservation, physicochemical variation, residue mobility, and thermodynamic stability) performed at Invitae indicates that this missense variant is not expected to disrupt MYLK protein function. This variant has not been reported in the literature in individuals affected with MYLK-related conditions.